The following is an entry in ClinVar:

NM_138694.4(PKHD1):c.3591A>G (p.Glu1197=)

Gene: PKHD1 (PKHD1 ciliary IPT domain containing fibrocystin/polyductin; minus strand). Cytogenetic location: 6p12.2.
Variant type: single nucleotide variant.
Coding change: c.3591A>G on transcript NM_138694.4 (MANE Select); coding-DNA position 3591, A replaced by G.
Protein change: p.Glu1197=; no amino-acid change (glutamic acid 1197 retained).
Molecular consequence: synonymous variant.
Genome position (GRCh38, 1-based): chr6:52,027,866, T>C on the plus strand (A>G on the coding strand, the complement: PKHD1 is on the minus strand). VCF-style: chr6-52027866-T-C. GRCh37 (hg19) VCF-style: chr6-51892664-T-C.
Other names: c.3591A>G, p.Glu1197= (NM_170724.3).
Identifiers: ClinVar variation 753053 (VCV000753053.13), dbSNP rs1217153511, ClinGen allele CA450614845.

ClinVar aggregate classification (germline): Likely benign. Review status: criteria provided, single submitter (1 of 4 stars). 2 submissions from 2 submitters: Likely benign (1). 1 of the submissions does not count toward it. Last evaluated 2024-03-16.

Conditions:
PKHD1-related disorder. Also called: PKHD1-related condition.
Autosomal recessive polycystic kidney disease (ARPKD). Also called: AR polycystic kidney disease. Identifiers: Orphanet 731, Orphanet 8378, MedGen C0085548, MeSH D017044, MONDO:0009889.

gnomAD v4.1: 6 of 1,613,678 alleles (0.00037%); highest among the groups gnomAD compares: East Asian, 0.013%; no homozygotes.

Submissions (2):

Labcorp Genetics (formerly Invitae), Labcorp
Classification: Likely benign for Autosomal recessive polycystic kidney disease. Last evaluated: 2024-03-16. Review status: criteria provided, single submitter. Criteria: Invitae Variant Classification Sherloc (09022015). Collection method: clinical testing. Allele origin: germline.

PreventionGenetics, part of Exact Sciences
Classification: Likely benign for PKHD1-related condition. Last evaluated: 2021-06-14. Review status: no assertion criteria provided. Collection method: clinical testing. Allele origin: germline. Not counted in ClinVar's aggregate classification.
Comment: This variant is classified as likely benign based on ACMG/AMP sequence variant interpretation guidelines (Richards et al. 2015 PMID: 25741868, with internal and published modifications).